The following is an entry in ClinVar:

NM_000702.4(ATP1A2):c.335C>A (p.Ala112Asp)

Gene: ATP1A2 (ATPase Na+/K+ transporting subunit alpha 2; plus strand). Cytogenetic location: 1q23.2.
Variant type: single nucleotide variant.
Coding change: c.335C>A on transcript NM_000702.4 (MANE Select); coding-DNA position 335, C replaced by A.
Protein change: p.Ala112Asp; replaces alanine 112 with aspartic acid.
Molecular consequence: missense variant.
Genome position (GRCh38, 1-based): chr1:160,123,370, C>A. VCF-style: chr1-160123370-C-A. GRCh37 (hg19) VCF-style: chr1-160093160-C-A.
Other names: short protein forms A112D.
Identifiers: ClinVar variation 238169 (VCV000238169.8), dbSNP rs878854140, ClinGen allele CA10581733.
Genomic context (GRCh38, chr1:160,123,370, plus strand): 5'-GTCAGCTTTTCGGGGGGTTCTCCATCCTGCTGTGGATTGGGGCTATCCTCTGCTTCCTGG[C>A]CTACGGCATCCAGGCTGCCATGGAGGATGAACCATCCAACGACAATGTGAGCCCACACGC-3'
Protein context (NP_000693.1, residues 102-122): LWIGAILCFL[Ala112Asp]YGIQAAMEDE

ClinVar aggregate classification (germline): Uncertain significance (1 of 4 stars; one submission).

Conditions:
Familial hemiplegic migraine. Identifiers: MedGen C0338484, MONDO:0000700.

Submission:

Labcorp Genetics (formerly Invitae), Labcorp
Classification: Uncertain significance for Familial hemiplegic migraine. Last evaluated: 2016-01-18. Review status: criteria provided, single submitter. Criteria: Invitae Variant Classification Sherloc (09022015). Collection method: clinical testing. Allele origin: germline.
Comment: In summary, this is a novel missense change with uncertain impact on protein function. It has been classified as a Variant of Uncertain Significance. Algorithms developed to predict the effect of missense changes on protein structure and function (SIFT, PolyPhen-2, Align-GVGD) all suggest that this variant is likely to be disruptive, but these predictions have not been confirmed by published functional studies. This variant is not present in population databases (ExAC no frequency) and has not been reported in the literature in individuals with a ATP1A2-related disease. This sequence change replaces alanine with aspartic acid at codon 112 of the ATP1A2 protein (p.Ala112Asp). The alanine residue is highly conserved and there is a moderate physicochemical difference between alanine and aspartic acid.